The following is an entry in ClinVar:

ClinVar aggregate classification (germline): Likely benign. Review status: criteria provided, multiple submitters, no conflicts (2 of 4 stars). 3 submissions from 3 submitters: Likely benign (3). Last evaluated 2026-09-01.

Allele frequency attached by ClinVar (database versions not stated): ExAC 0.00003; gnomAD exomes 0.00004; gnomAD 0.00007; ESP Exome Variant Server 0.00008; TOPMed 0.00010.
gnomAD v4.1: 82 of 1,612,822 alleles (0.0051%); highest among the groups gnomAD compares: African/African-American, 0.0067%; no homozygotes.

Submissions (3):

CeGaT Center for Human Genetics Tuebingen
Classification: Likely benign. Last evaluated: 2026-09-01. Review status: criteria provided, single submitter. Criteria: CeGaT Center For Human Genetics Tuebingen Variant Classification Criteria Version 2. Collection method: clinical testing. Allele origin: germline. Affected: yes. Observed: 2 variant alleles.
Comment: HERC1: BP4, BP7

Labcorp Genetics (formerly Invitae), Labcorp
Classification: Likely benign. Last evaluated: 2025-06-17. Review status: criteria provided, single submitter. Criteria: Invitae Variant Classification Sherloc (09022015). Collection method: clinical testing. Allele origin: germline.

Breakthrough Genomics
Classification: Likely benign. Review status: criteria provided, single submitter. Criteria: ACMG Guidelines, 2015. Collection method: not provided. Allele origin: germline. Inheritance: Autosomal recessive inheritance. Affected: yes.

NM_003922.4(HERC1):c.4653A>G (p.Gln1551=)

Gene: HERC1 (HECT and RLD domain containing E3 ubiquitin protein ligase family member 1; minus strand). Cytogenetic location: 15q22.31.
Variant type: single nucleotide variant.
Coding change: c.4653A>G on transcript NM_003922.4 (MANE Select); coding-DNA position 4653, A replaced by G.
Protein change: p.Gln1551=; no amino-acid change (glutamine 1551 retained).
Molecular consequence: synonymous variant.
Genome position (GRCh38, 1-based): chr15:63,698,980, T>C on the plus strand (A>G on the coding strand, the complement: HERC1 is on the minus strand). VCF-style: chr15-63698980-T-C. GRCh37 (hg19) VCF-style: chr15-63991179-T-C.
Identifiers: ClinVar variation 779274 (VCV000779274.25), dbSNP rs367981307, ClinGen allele CA7605727.